The following is an entry in ClinVar:

NM_015338.6(ASXL1):c.1744C>T (p.Pro582Ser)

Gene: ASXL1 (ASXL transcriptional regulator 1; plus strand). Cytogenetic location: 20q11.21.
Variant type: single nucleotide variant.
Coding change: c.1744C>T on transcript NM_015338.6 (MANE Select); coding-DNA position 1744, C replaced by T.
Protein change: p.Pro582Ser; replaces proline 582 with serine.
Molecular consequence: missense variant.
Genome position (GRCh38, 1-based): chr20:32,434,456, C>T. VCF-style: chr20-32434456-C-T. GRCh37 (hg19) VCF-style: chr20-31022259-C-T.
Other names: c.1561C>T, p.Pro521Ser (NM_001363734.1); short protein forms P521S, P582S.
Identifiers: ClinVar variation 1945730 (VCV001945730.6), dbSNP rs1488971611, ClinGen allele CA408557835.

ClinVar aggregate classification (germline): Uncertain significance. Review status: criteria provided, multiple submitters, no conflicts (2 of 4 stars). 2 submissions from 2 submitters: Uncertain significance (2). Last evaluated 2024-12-02.

Conditions:
Inborn genetic diseases. Identifiers: MedGen C0950123, MeSH D030342.

Allele frequency attached by ClinVar (database versions not stated): TOPMed below 0.00001; gnomAD exomes 0.00002.
gnomAD v4.1: 31 of 1,614,102 alleles (0.0019%); highest among the groups gnomAD compares: Non-Finnish European, 0.0025%; no homozygotes.

Submissions (2):

Ambry Genetics
Classification: Uncertain significance for Inborn genetic diseases. Last evaluated: 2024-12-02. Review status: criteria provided, single submitter. Criteria: Ambry Variant Classification Scheme 2023. Collection method: clinical testing. Allele origin: germline.
Comment: The p.P582S variant (also known as c.1744C>T), located in coding exon 13 of the ASXL1 gene, results from a C to T substitution at nucleotide position 1744. The proline at codon 582 is replaced by serine, an amino acid with similar properties. This amino acid position is conserved. In addition, this alteration is predicted to be tolerated by in silico analysis. Based on the available evidence, the clinical significance of this variant remains unclear.

Labcorp Genetics (formerly Invitae), Labcorp
Classification: Uncertain significance. Last evaluated: 2022-10-17. Review status: criteria provided, single submitter. Criteria: Invitae Variant Classification Sherloc (09022015). Collection method: clinical testing. Allele origin: germline.
Comment: In summary, the available evidence is currently insufficient to determine the role of this variant in disease. Therefore, it has been classified as a Variant of Uncertain Significance. Algorithms developed to predict the effect of missense changes on protein structure and function are either unavailable or do not agree on the potential impact of this missense change (SIFT: "Tolerated"; PolyPhen-2: "Possibly Damaging"; Align-GVGD: "Class C0"). This variant has not been reported in the literature in individuals affected with ASXL1-related conditions. This variant is not present in population databases (gnomAD no frequency). This sequence change replaces proline, which is neutral and non-polar, with serine, which is neutral and polar, at codon 582 of the ASXL1 protein (p.Pro582Ser).